The following is an entry in ClinVar:

NM_006031.6(PCNT):c.7321-5T>C

Gene: PCNT (pericentrin; plus strand). Cytogenetic location: 21q22.3.
Variant type: single nucleotide variant.
Coding change: c.7321-5T>C on transcript NM_006031.6 (MANE Select); 5 bases into the intron before coding-DNA position 7321, T replaced by C.
Molecular consequence: intron variant.
Genome position (GRCh38, 1-based): chr21:46,427,617, T>C. VCF-style: chr21-46427617-T-C. GRCh37 (hg19) VCF-style: chr21-47847531-T-C.
Other names: c.6967-5T>C (NM_001315529.2); c.7321-5T>C (NM_006031.5).
Identifiers: ClinVar variation 2912537 (VCV002912537.5), dbSNP rs750806889, ClinGen allele CA10080631.

ClinVar aggregate classification (germline): Likely benign. Review status: criteria provided, multiple submitters, no conflicts (2 of 4 stars). 3 submissions from 3 submitters: Likely benign (2). 1 of the submissions does not count toward it. Last evaluated 2025-10-29.

Conditions:
Microcephalic osteodysplastic primordial dwarfism type II (MOPD2). Also called: Microcephalic osteodysplastic primordial dwarfism with tooth abnormalities; MOPD II; OSTEODYSPLASTIC PRIMORDIAL DWARFISM, TYPE II. Identifiers: Orphanet 2637, MedGen C0432246, MONDO:0008872, OMIM 210720.
PCNT-related disorder. Also called: PCNT-related condition.

Allele frequency attached by ClinVar (database versions not stated): TOPMed 0.00005; gnomAD exomes 0.00013; ExAC 0.00002; gnomAD 0.00003.
gnomAD v4.1: 193 of 1,613,738 alleles (0.012%); highest among the groups gnomAD compares: Non-Finnish European, 0.015%; no homozygotes.

Submissions (3):

Labcorp Genetics (formerly Invitae), Labcorp
Classification: Likely benign. Last evaluated: 2025-10-29. Review status: criteria provided, single submitter. Criteria: Invitae Variant Classification Sherloc (09022015). Collection method: clinical testing. Allele origin: germline.

ARUP Laboratories, Molecular Genetics and Genomics, ARUP Laboratories
Classification: Likely benign for Microcephalic osteodysplastic primordial dwarfism type II. Last evaluated: 2025-02-18. Review status: criteria provided, single submitter. Criteria: ARUP Molecular Germline Variant Investigation Process 2024. Collection method: clinical testing. Allele origin: germline.

PreventionGenetics, part of Exact Sciences
Classification: Likely benign for PCNT-related condition. Last evaluated: 2021-12-22. Review status: no assertion criteria provided. Collection method: clinical testing. Allele origin: germline. Not counted in ClinVar's aggregate classification.
Comment: This variant is classified as likely benign based on ACMG/AMP sequence variant interpretation guidelines (Richards et al. 2015 PMID: 25741868, with internal and published modifications).